The following is an entry in ClinVar:

NM_001278624.2(NFXL1):c.1706G>A (p.Arg569His)

Genes: NFXL1 (nuclear transcription factor, X-box binding like 1; minus strand), LOC101927179 (uncharacterized LOC101927179; plus strand). Cytogenetic location: 4p12.
Variant type: single nucleotide variant.
Coding change: c.1706G>A on transcript NM_001278624.2 (MANE Select); coding-DNA position 1706, G replaced by A.
Protein change: p.Arg569His; replaces arginine 569 with histidine.
Molecular consequence: missense variant. On other transcripts: non-coding transcript variant (1).
Genome position (GRCh38, 1-based): chr4:47,885,616, C>T on the plus strand (G>A on the coding strand, the complement: NFXL1 is on the minus strand). VCF-style: chr4-47885616-C-T. GRCh37 (hg19) VCF-style: chr4-47887633-C-T.
Other names: c.1706G>A, p.Arg569His (NM_001278623.1, NM_152995.6); short protein forms R569H.
Identifiers: ClinVar variation 3034738 (VCV003034738.2), dbSNP rs76453132, ClinGen allele CA2910504.

ClinVar aggregate classification (germline): Benign (0 of 4 stars; one submission).

Conditions:
NFXL1-related disorder. Also called: NFXL1-related condition.

Allele frequency attached by ClinVar (database versions not stated): 1000 Genomes Project 30x 0.00094; TOPMed 0.00098; 1000 Genomes Project 0.00120; ESP Exome Variant Server 0.00138; gnomAD 0.00193; ExAC 0.00232; gnomAD exomes 0.00236.
gnomAD v4.1: 3,720 of 1,613,726 alleles (0.23%); highest among the groups gnomAD compares: Non-Finnish European, 0.23%; 17 homozygotes.

Submission:

PreventionGenetics, part of Exact Sciences
Classification: Benign for NFXL1-related condition. Last evaluated: 2019-09-19. Review status: no assertion criteria provided. Collection method: clinical testing. Allele origin: germline.
Comment: This variant is classified as benign based on ACMG/AMP sequence variant interpretation guidelines (Richards et al. 2015 PMID: 25741868, with internal and published modifications).